The following is an entry in ClinVar:

ClinVar aggregate classification (germline): Uncertain significance (1 of 4 stars; one submission).

Conditions:
Hereditary cancer-predisposing syndrome. Also called: Neoplastic Syndromes, Hereditary; Tumor predisposition; Hereditary neoplastic syndrome; Hereditary Cancer Syndrome. Identifiers: Orphanet 140162, MedGen C0027672, MeSH D009386, MONDO:0015356.

Submission:

Ambry Genetics
Classification: Uncertain significance for Hereditary cancer-predisposing syndrome. Last evaluated: 2024-03-13. Review status: criteria provided, single submitter. Criteria: Ambry Variant Classification Scheme 2023. Collection method: clinical testing. Allele origin: germline.
Comment: The p.V473L variant (also known as c.1417G>C), located in coding exon 9 of the KIT gene, results from a G to C substitution at nucleotide position 1417. The valine at codon 473 is replaced by leucine, an amino acid with highly similar properties. This amino acid position is conserved. In addition, this alteration is predicted to be tolerated by in silico analysis. Based on the available evidence, the clinical significance of this alteration remains unclear.

NM_000222.3(KIT):c.1417G>C (p.Val473Leu)

Gene: KIT (KIT proto-oncogene, receptor tyrosine kinase; plus strand). Cytogenetic location: 4q12.
Variant type: single nucleotide variant.
Coding change: c.1417G>C on transcript NM_000222.3 (MANE Select); coding-DNA position 1417, G replaced by C.
Protein change: p.Val473Leu; replaces valine 473 with leucine.
Molecular consequence: missense variant.
Genome position (GRCh38, 1-based): chr4:54,725,927, G>C. VCF-style: chr4-54725927-G-C. GRCh37 (hg19) VCF-style: chr4-55592093-G-C.
Other names: c.1417G>C, p.Val473Leu (NM_001093772.2, NM_001385285.1, NM_001385286.1); c.1420G>C, p.Val474Leu (NM_001385284.1, NM_001385288.1, NM_001385290.1 and 1 more transcripts); short protein forms V473L, V474L.
Identifiers: ClinVar variation 3230654 (VCV003230654.1), dbSNP rs2109768762, ClinGen allele CA356906348.